The following is an entry in ClinVar:

ClinVar aggregate classification (germline): Uncertain significance. Review status: criteria provided, multiple submitters, no conflicts (2 of 4 stars). 2 submissions from 2 submitters: Uncertain significance (2). Last evaluated 2026-09-09.

gnomAD v4.1: 9 of 1,612,834 alleles (0.00056%); highest among the groups gnomAD compares: East Asian, 0.0045%; no homozygotes.

Submissions (2):

Ambry Genetics
Classification: Uncertain significance. Last evaluated: 2026-09-09. Review status: criteria provided, single submitter. Criteria: Ambry Variant Classification Scheme 2023. Collection method: clinical testing. Allele origin: germline.

CeGaT Center for Human Genetics Tuebingen
Classification: Uncertain significance. Last evaluated: 2025-06-01. Review status: criteria provided, single submitter. Criteria: CeGaT Center For Human Genetics Tuebingen Variant Classification Criteria Version 2. Collection method: clinical testing. Allele origin: germline. Affected: yes. Observed: 1 variant allele.
Comment: SYK: PP2

NM_003177.7(SYK):c.601G>A (p.Gly201Ser)

Gene: SYK (spleen associated tyrosine kinase; plus strand). Cytogenetic location: 9q22.2.
Variant type: single nucleotide variant.
Coding change: c.601G>A on transcript NM_003177.7 (MANE Select); coding-DNA position 601, G replaced by A.
Protein change: p.Gly201Ser; replaces glycine 201 with serine.
Molecular consequence: missense variant.
Genome position (GRCh38, 1-based): chr9:90,862,228, G>A. VCF-style: chr9-90862228-G-A. GRCh37 (hg19) VCF-style: chr9-93624510-G-A.
Other names: c.601G>A, p.Gly201Ser (NM_001135052.4, NM_001174167.3, NM_001174168.3); c.601G>A (NM_003177.5); short protein forms G201S.
Identifiers: ClinVar variation 4084998 (VCV004084998.9).